The following is an entry in ClinVar:

ClinVar aggregate classification (germline): Uncertain significance (1 of 4 stars; one submission).

gnomAD v4.1: 61 of 1,609,962 alleles (0.0038%); highest among the groups gnomAD compares: Non-Finnish European, 0.0048%; no homozygotes.

Submission:

Women's Health and Genetics/Laboratory Corporation of America, LabCorp
Classification: Uncertain significance. Last evaluated: 2024-09-23. Review status: criteria provided, single submitter. Criteria: LabCorp Variant Classification Summary - May 2015. Collection method: clinical testing. Allele origin: germline.
Comment: Variant summary: MAST3 c.1485-4A>G alters a conserved nucleotide located close to a canonical splice site and therefore could affect mRNA splicing, leading to a significantly altered protein sequence. Consensus agreement among computation tools predict no significant impact on normal splicing. However, these predictions have yet to be confirmed by functional studies. The variant was absent in 244394 control chromosomes. The available data on variant occurrences in the general population are insufficient to allow any conclusion about variant significance. To our knowledge, no occurrence of c.1485-4A>G in individuals affected with Developmental And Epileptic Encephalopathy 108 and no experimental evidence demonstrating its impact on protein function have been reported. No submitters have cited clinical-significance assessments for this variant to ClinVar. Based on the evidence outlined above, the variant was classified as uncertain significance.

NM_001393504.1(MAST3):c.1572-4A>G

Gene: MAST3 (microtubule associated serine/threonine kinase 3; plus strand). Cytogenetic location: 19p13.11.
Variant type: single nucleotide variant.
Coding change: c.1572-4A>G on transcript NM_001393504.1 (MANE Select); 4 bases into the intron before coding-DNA position 1572, A replaced by G.
Molecular consequence: intron variant.
Genome position (GRCh38, 1-based): chr19:18,134,575, A>G. VCF-style: chr19-18134575-A-G. GRCh37 (hg19) VCF-style: chr19-18245385-A-G.
Other names: c.1596-4A>G (NM_001393501.1); c.1575-4A>G (NM_001393502.1); c.1506-4A>G (NM_001393508.1, NM_001393516.1); c.1485-4A>G (NM_001393514.1, NM_015016.2); c.1503-4A>G (NM_001393509.1, NM_001393512.1, NM_001393518.1 and 2 more transcripts); c.1482-4A>G (NM_001393515.1, NM_001393520.1); c.1572-4A>G (NM_001393503.1); c.1551-4A>G (NM_001393507.1); and 4 more.
Identifiers: ClinVar variation 3375306 (VCV003375306.1).